The following is an entry in ClinVar:

ClinVar aggregate classification (germline): Uncertain significance (1 of 4 stars; one submission).

gnomAD v4.1: 17 of 1,612,806 alleles (0.0011%); highest among the groups gnomAD compares: East Asian, 0.038%; no homozygotes.

Submission:

Labcorp Genetics (formerly Invitae), Labcorp
Classification: Uncertain significance. Last evaluated: 2022-06-20. Review status: criteria provided, single submitter. Criteria: Invitae Variant Classification Sherloc (09022015). Collection method: clinical testing. Allele origin: germline.
Comment: This sequence change replaces alanine, which is neutral and non-polar, with glycine, which is neutral and non-polar, at codon 1200 of the OBSL1 protein (p.Ala1200Gly). This variant is present in population databases (rs373804245, gnomAD 0.06%). This variant has not been reported in the literature in individuals affected with OBSL1-related conditions. Algorithms developed to predict the effect of missense changes on protein structure and function (SIFT, PolyPhen-2, Align-GVGD) all suggest that this variant is likely to be tolerated. In summary, the available evidence is currently insufficient to determine the role of this variant in disease. Therefore, it has been classified as a Variant of Uncertain Significance.

NM_015311.3(OBSL1):c.3599C>G (p.Ala1200Gly)

Gene: OBSL1 (obscurin like cytoskeletal adaptor 1; minus strand). Cytogenetic location: 2q35.
Variant type: single nucleotide variant.
Coding change: c.3599C>G on transcript NM_015311.3 (MANE Select); coding-DNA position 3599, C replaced by G.
Protein change: p.Ala1200Gly; replaces alanine 1200 with glycine.
Molecular consequence: missense variant.
Genome position (GRCh38, 1-based): chr2:219,558,014, G>C on the plus strand (C>G on the coding strand, the complement: OBSL1 is on the minus strand). VCF-style: chr2-219558014-G-C. GRCh37 (hg19) VCF-style: chr2-220422736-G-C.
Other names: c.3599C>G, p.Ala1200Gly (NM_001173431.2); short protein forms A1200G.
Identifiers: ClinVar variation 1524341 (VCV001524341.7), dbSNP rs373804245, ClinGen allele CA2130805.